The following is an entry in ClinVar:

ClinVar aggregate classification (germline): Uncertain significance (1 of 4 stars; one submission).

Conditions:
RYR1-related disorder. Also called: RYR1-related condition; RYR1-related disorders. Identifiers: MedGen CN239331.

Submission:

Labcorp Genetics (formerly Invitae), Labcorp
Classification: Uncertain significance for RYR1-related disorder. Last evaluated: 2024-07-03. Review status: criteria provided, single submitter. Criteria: Invitae Variant Classification Sherloc (09022015). Collection method: clinical testing. Allele origin: germline.
Comment: This sequence change replaces glycine, which is neutral and non-polar, with valine, which is neutral and non-polar, at codon 216 of the RYR1 protein (p.Gly216Val). This variant is not present in population databases (gnomAD no frequency). This variant has not been reported in the literature in individuals affected with RYR1-related conditions. Advanced modeling of protein sequence and biophysical properties (such as structural, functional, and spatial information, amino acid conservation, physicochemical variation, residue mobility, and thermodynamic stability) performed at Invitae indicates that this missense variant is expected to disrupt RYR1 protein function with a positive predictive value of 95%. In summary, the available evidence is currently insufficient to determine the role of this variant in disease. Therefore, it has been classified as a Variant of Uncertain Significance.

NM_000540.3(RYR1):c.647G>T (p.Gly216Val)

Gene: RYR1 (ryanodine receptor 1; plus strand). Cytogenetic location: 19q13.2.
Variant type: single nucleotide variant.
Coding change: c.647G>T on transcript NM_000540.3 (MANE Select); coding-DNA position 647, G replaced by T.
Protein change: p.Gly216Val; replaces glycine 216 with valine.
Molecular consequence: missense variant.
Genome position (GRCh38, 1-based): chr19:38,446,487, G>T. VCF-style: chr19-38446487-G-T. GRCh37 (hg19) VCF-style: chr19-38937127-G-T.
Other names: c.647G>T, p.Gly216Val (NM_001042723.2); short protein forms G216V.
Identifiers: ClinVar variation 3671315 (VCV003671315.2).